The following is an entry in ClinVar:

NM_016579.4(CD320):c.141_142delinsCC (p.Gly48Arg)

Gene: CD320 (CD320 molecule; minus strand). Cytogenetic location: 19p13.2.
Variant type: Indel.
Coding change: c.141_142delinsCC on transcript NM_016579.4 (MANE Select); coding-DNA positions 141 to 142, AG replaced by CC.
Protein change: p.Gly48Arg; replaces glycine 48 with arginine.
Molecular consequence: missense variant.
Genome position (GRCh38, 1-based): chr19:8,308,149-8,308,150, CT replaced by GG on the plus strand (AG replaced by CC on the coding strand, the reverse complement: CD320 is on the minus strand). VCF-style: chr19-8308149-CT-GG. GRCh37 (hg19) VCF-style: chr19-8373033-CT-GG.
Other names: c.141_142delinsCC, p.Gly48Arg (NM_001165895.2); short protein forms G48R.
Identifiers: ClinVar variation 4714726 (VCV004714726.1).

ClinVar aggregate classification (germline): Uncertain significance (1 of 4 stars; one submission).

Conditions:
Methylmalonic acidemia due to transcobalamin receptor defect (MATR). Also called: METHYLMALONIC ACIDURIA, TRANSIENT, DUE TO TRANSCOBALAMIN RECEPTOR DEFECT; METHYLMALONIC ACIDEMIA, TCblR TYPE. Identifiers: Orphanet 280183, MedGen C4749905, MONDO:0013341, OMIM 613646.

Submission:

Labcorp Genetics (formerly Invitae), Labcorp
Classification: Uncertain significance for Methylmalonic acidemia due to transcobalamin receptor defect. Last evaluated: 2025-03-16. Review status: criteria provided, single submitter. Criteria: Invitae Variant Classification Sherloc (09022015). Collection method: clinical testing. Allele origin: germline.
Comment: This sequence change replaces glycine, which is neutral and non-polar, with arginine, which is basic and polar, at codon 48 of the CD320 protein (p.Gly48Arg). Information on the frequency of this variant in the gnomAD database is not available, as this variant may be reported differently in the database. This variant has not been reported in the literature in individuals affected with CD320-related conditions. Experimental studies and prediction algorithms are not available or were not evaluated, and the functional significance of this variant is currently unknown. In summary, the available evidence is currently insufficient to determine the role of this variant in disease. Therefore, it has been classified as a Variant of Uncertain Significance.